The following is an entry in ClinVar:

NM_005751.5(AKAP9):c.2389G>A (p.Val797Ile)

Gene: AKAP9 (A-kinase anchoring protein 9; plus strand). Cytogenetic location: 7q21.2.
Variant type: single nucleotide variant.
Coding change: c.2389G>A on transcript NM_005751.5 (MANE Select); coding-DNA position 2389, G replaced by A.
Protein change: p.Val797Ile; replaces valine 797 with isoleucine.
Molecular consequence: missense variant.
Genome position (GRCh38, 1-based): chr7:92,002,306, G>A. VCF-style: chr7-92002306-G-A. GRCh37 (hg19) VCF-style: chr7-91631620-G-A.
Other names: c.2389G>A, p.Val797Ile (NM_147185.3); short protein forms V797I.
Identifiers: ClinVar variation 1002086 (VCV001002086.8), dbSNP rs971851892, ClinGen allele CA368123999.

ClinVar aggregate classification (germline): Uncertain significance (1 of 4 stars; one submission).

Conditions:
Long QT syndrome (LQTS). Identifiers: MedGen C0023976, MeSH D008133, MONDO:0002442. Disease mechanism: loss of function. Inheritance: Various modes of inheritance.

Submission:

Labcorp Genetics (formerly Invitae), Labcorp
Classification: Uncertain significance for Long QT syndrome. Last evaluated: 2025-03-05. Review status: criteria provided, single submitter. Criteria: Invitae Variant Classification Sherloc (09022015). Collection method: clinical testing. Allele origin: germline.
Comment: This sequence change replaces valine, which is neutral and non-polar, with isoleucine, which is neutral and non-polar, at codon 797 of the AKAP9 protein (p.Val797Ile). This variant is not present in population databases (gnomAD no frequency). This variant has not been reported in the literature in individuals affected with AKAP9-related conditions. ClinVar contains an entry for this variant (Variation ID: 1002086). An algorithm developed to predict the effect of missense changes on protein structure and function outputs the following: PolyPhen-2: "Benign". The isoleucine amino acid residue is found in multiple mammalian species, which suggests that this missense change does not adversely affect protein function. In summary, the available evidence is currently insufficient to determine the role of this variant in disease. Therefore, it has been classified as a Variant of Uncertain Significance.